The following is an entry in ClinVar:

NM_000936.4(PNLIP):c.38C>T (p.Ala13Val)

Gene: PNLIP (pancreatic lipase; plus strand). Cytogenetic location: 10q25.3.
Variant type: single nucleotide variant.
Coding change: c.38C>T on transcript NM_000936.4 (MANE Select); coding-DNA position 38, C replaced by T.
Protein change: p.Ala13Val; replaces alanine 13 with valine.
Molecular consequence: missense variant.
Genome position (GRCh38, 1-based): chr10:116,546,130, C>T. VCF-style: chr10-116546130-C-T. GRCh37 (hg19) VCF-style: chr10-118305642-C-T.
Other names: c.38C>T (NM_000936.2); short protein forms A13V.
Identifiers: ClinVar variation 1930785 (VCV001930785.3), dbSNP rs748617378, ClinGen allele CA5706315.

ClinVar aggregate classification (germline): Uncertain significance. Review status: criteria provided, multiple submitters, no conflicts (2 of 4 stars). 2 submissions from 2 submitters: Uncertain significance (2). Last evaluated 2025-09-01.

Allele frequency attached by ClinVar (database versions not stated): gnomAD exomes below 0.00001; ExAC 0.00002; gnomAD 0.00002; TOPMed 0.00002.
gnomAD v4.1: 8 of 1,613,192 alleles (0.0005%); highest among the groups gnomAD compares: Admixed American, 0.013%; no homozygotes.

Submissions (2):

Ambry Genetics
Classification: Uncertain significance. Last evaluated: 2025-09-01. Review status: criteria provided, single submitter. Criteria: Ambry Variant Classification Scheme 2023. Collection method: clinical testing. Allele origin: germline.

Labcorp Genetics (formerly Invitae), Labcorp
Classification: Uncertain significance. Last evaluated: 2022-05-06. Review status: criteria provided, single submitter. Criteria: Invitae Variant Classification Sherloc (09022015). Collection method: clinical testing. Allele origin: germline.
Comment: This sequence change replaces alanine, which is neutral and non-polar, with valine, which is neutral and non-polar, at codon 13 of the PNLIP protein (p.Ala13Val). This variant is present in population databases (rs748617378, gnomAD 0.02%). This variant has not been reported in the literature in individuals affected with PNLIP-related conditions. Algorithms developed to predict the effect of missense changes on protein structure and function output the following: SIFT: "Not Available"; PolyPhen-2: "Benign"; Align-GVGD: "Not Available". The valine amino acid residue is found in multiple mammalian species, which suggests that this missense change does not adversely affect protein function. In summary, the available evidence is currently insufficient to determine the role of this variant in disease. Therefore, it has been classified as a Variant of Uncertain Significance.